The following is an entry in ClinVar:

ClinVar aggregate classification (germline): Benign. Review status: criteria provided, multiple submitters, no conflicts (2 of 4 stars). 5 submissions from 5 submitters: Benign (4). 1 of the submissions does not count toward it. Last evaluated 2026-09-01.

Conditions:
NADK2-related disorder. Also called: NADK2-related condition.
Progressive encephalopathy with leukodystrophy due to DECR deficiency. Identifiers: Orphanet 431361, MedGen C1857252, MONDO:0014464, OMIM 616034.

Allele frequency attached by ClinVar (database versions not stated): 1000 Genomes Project 30x 0.00750; 1000 Genomes Project 0.00799; gnomAD exomes 0.00847 and 0.01213; ExAC 0.00876; gnomAD 0.00967 and 0.00972; TOPMed 0.00993; ESP Exome Variant Server 0.01076.
gnomAD v4.1: 19,133 of 1,609,028 alleles (1.2%); highest among the groups gnomAD compares: Non-Finnish European, 1.3%; 155 homozygotes.

Submissions (5):

CeGaT Center for Human Genetics Tuebingen
Classification: Benign. Last evaluated: 2026-09-01. Review status: criteria provided, single submitter. Criteria: CeGaT Center For Human Genetics Tuebingen Variant Classification Criteria Version 2. Collection method: clinical testing. Allele origin: germline. Affected: yes. Observed: 26 variant alleles.
Comment: NADK2: BP4, BP7, BS1, BS2

Labcorp Genetics (formerly Invitae), Labcorp
Classification: Benign for Progressive encephalopathy with leukodystrophy due to DECR deficiency. Last evaluated: 2026-02-03. Review status: criteria provided, single submitter. Criteria: Invitae Variant Classification Sherloc (09022015). Collection method: clinical testing. Allele origin: germline.

GeneDx
Classification: Benign. Last evaluated: 2016-03-07. Review status: criteria provided, single submitter. Criteria: GeneDx Variant Classification (06012015). Collection method: clinical testing. Allele origin: germline. Affected: yes.
Comment: This variant is considered likely benign or benign based on one or more of the following criteria: it is a conservative change, it occurs at a poorly conserved position in the protein, it is predicted to be benign by multiple in silico algorithms, and/or has population frequency not consistent with disease.

Breakthrough Genomics
Classification: Benign. Review status: criteria provided, single submitter. Criteria: ACMG Guidelines, 2015. Collection method: not provided. Allele origin: germline. Inheritance: Autosomal recessive inheritance. Affected: yes.

PreventionGenetics, part of Exact Sciences
Classification: Benign for NADK2-related condition. Last evaluated: 2019-06-28. Review status: no assertion criteria provided. Collection method: clinical testing. Allele origin: germline. Not counted in ClinVar's aggregate classification.
Comment: This variant is classified as benign based on ACMG/AMP sequence variant interpretation guidelines (Richards et al. 2015 PMID: 25741868, with internal and published modifications).

NM_001085411.3(NADK2):c.1104G>A (p.Pro368=)

Gene: NADK2 (NAD kinase 2, mitochondrial; minus strand). Cytogenetic location: 5p13.2.
Variant type: single nucleotide variant.
Coding change: c.1104G>A on transcript NM_001085411.3 (MANE Select); coding-DNA position 1104, G replaced by A.
Protein change: p.Pro368=; no amino-acid change (proline 368 retained).
Molecular consequence: synonymous variant.
Genome position (GRCh38, 1-based): chr5:36,197,627, C>T on the plus strand (G>A on the coding strand, the complement: NADK2 is on the minus strand). VCF-style: chr5-36197627-C-T. GRCh37 (hg19) VCF-style: chr5-36197729-C-T.
Other names: c.615G>A, p.Pro205= (NM_001287340.2, NM_153013.5); c.681G>A, p.Pro227= (NM_001287341.2).
Identifiers: ClinVar variation 380573 (VCV000380573.41), dbSNP rs79189380, ClinGen allele CA3234505.